The following is an entry in ClinVar:

ClinVar aggregate classification (germline): Uncertain significance. Review status: criteria provided, multiple submitters, no conflicts (2 of 4 stars). 3 submissions from 3 submitters: Uncertain significance (3). Last evaluated 2026-02-11.

Conditions:
Hereditary breast ovarian cancer syndrome. Also called: Hereditary breast and/or ovarian cancer syndrome; Hereditary breast and ovarian cancer syndrome; Hereditary breast and ovarian cancer; Hereditary breast and ovarian cancer syndrome (HBOC); Breast and ovarian cancer; BRCA1- and BRCA2-Associated Hereditary Breast and Ovarian Cancer. Identifiers: Orphanet 145, MedGen C0677776, MeSH D061325, MONDO:0003582. Disease mechanism: loss of function.
Hereditary cancer-predisposing syndrome. Also called: Tumor predisposition; Hereditary Cancer Syndrome; Neoplastic Syndromes, Hereditary; Hereditary neoplastic syndrome. Identifiers: Orphanet 140162, MedGen C0027672, MeSH D009386, MONDO:0015356.

Allele frequency attached by ClinVar (database versions not stated): gnomAD exomes below 0.00001.
gnomAD v4.1: 2 of 1,613,364 alleles (0.00012%); highest among the groups gnomAD compares: Non-Finnish European, 0.00017%; no homozygotes.

Submissions (3):

Ambry Genetics
Classification: Uncertain significance for Hereditary cancer-predisposing syndrome. Last evaluated: 2026-02-11. Review status: criteria provided, single submitter. Criteria: Ambry Variant Classification Scheme 2023. Collection method: clinical testing. Allele origin: germline.
Comment: The c.593+5G>A intronic variant results from a G to A substitution 5 nucleotides after coding exon 7 in the BRCA1 gene. This nucleotide position is highly conserved in available vertebrate species. In silico splice site analysis predicts that this alteration will weaken the native splice donor site. Based on the available evidence, the clinical significance of this variant remains unclear.

Quest Diagnostics Nichols Institute San Juan Capistrano
Classification: Uncertain significance. Last evaluated: 2024-12-26. Review status: criteria provided, single submitter. Criteria: Quest Diagnostics criteria. Collection method: clinical testing. Allele origin: unknown.
Comment: The BRCA1 c.593+5G>A variant has not been reported in individuals with BRCA1-related conditions in the published literature. It also has not been reported in large, multi-ethnic general populations (Genome Aggregation Database). Analysis of this variant using software algorithms for the prediction of the effect of nucleotide changes on BRCA1 mRNA splicing yielded inconclusive findings. Based on the available information, we are unable to determine the clinical significance of this variant.

Labcorp Genetics (formerly Invitae), Labcorp
Classification: Uncertain significance for Hereditary breast ovarian cancer syndrome. Last evaluated: 2024-08-29. Review status: criteria provided, single submitter. Criteria: Invitae Variant Classification Sherloc (09022015). Collection method: clinical testing. Allele origin: germline.
Comment: This sequence change falls in intron 8 of the BRCA1 gene. It does not directly change the encoded amino acid sequence of the BRCA1 protein. It affects a nucleotide within the consensus splice site. This variant is not present in population databases (gnomAD no frequency). This variant has not been reported in the literature in individuals affected with BRCA1-related conditions. ClinVar contains an entry for this variant (Variation ID: 479237). Variants that disrupt the consensus splice site are a relatively common cause of aberrant splicing (PMID: 17576681, 9536098). Algorithms developed to predict the effect of sequence changes on RNA splicing suggest that this variant may disrupt the consensus splice site. In summary, the available evidence is currently insufficient to determine the role of this variant in disease. Therefore, it has been classified as a Variant of Uncertain Significance.

Literature cited by the submitters: PubMed 17576681 (cited by Labcorp Genetics (formerly Invitae), Labcorp); PubMed 9536098 (cited by Labcorp Genetics (formerly Invitae), Labcorp).

NM_007294.4(BRCA1):c.593+5G>A

Gene: BRCA1 (BRCA1 DNA repair associated; minus strand). Cytogenetic location: 17q21.31.
Variant type: single nucleotide variant.
Coding change: c.593+5G>A on transcript NM_007294.4 (MANE Select); 5 bases into the intron after coding-DNA position 593, G replaced by A.
Molecular consequence: intron variant.
Genome position (GRCh38, 1-based): chr17:43,097,239, C>T on the plus strand (G>A on the coding strand, the complement: BRCA1 is on the minus strand). VCF-style: chr17-43097239-C-T. GRCh37 (hg19) VCF-style: chr17-41249256-C-T.
Other names: c.452+5G>A (NM_001408458.1, NM_001408469.1, NM_001408453.1 and 43 more transcripts); c.-218-2379G>A (NM_001407967.1, NM_001407966.1); c.212+5G>A (NM_001407959.1, NM_001408510.1, NM_001407963.1 and 1 more transcripts); c.404-2379G>A (NM_001407931.1, NM_001407932.1, NM_001408503.1 and 5 more transcripts); c.449+5G>A (NM_001407747.1, NM_001408470.1, NM_001407848.1 and 26 more transcripts); c.209+5G>A (NM_001407962.1); c.167-2379G>A (NM_001408512.1, NM_001407965.1); c.383+5G>A (NM_001407885.1, NM_001407886.1, NM_001407881.1 and 27 more transcripts); and 17 more.
Identifiers: ClinVar variation 479237 (VCV000479237.14), dbSNP rs1555594030, ClinGen allele CA658656646.
Genomic context (GRCh38, chr17:43,097,239, plus strand): 5'-CAATCCTTAATATTAACTAAATAGGAAAATACCAGCTTCATAGACAAAGGTTCTCTTTGA[C>T]TCACCTGCAATAAGTTGCCTTATTAACGGTATCTTCAGAAGAATCAGATCCTAAAAAATT-3'